The following is an entry in ClinVar:

NM_000368.5(TSC1):c.2956G>A (p.Ala986Thr)

Gene: TSC1 (TSC complex subunit 1; minus strand). Cytogenetic location: 9q34.13.
Variant type: single nucleotide variant.
Coding change: c.2956G>A on transcript NM_000368.5 (MANE Select); coding-DNA position 2956, G replaced by A.
Protein change: p.Ala986Thr; replaces alanine 986 with threonine.
Molecular consequence: missense variant.
Genome position (GRCh38, 1-based): chr9:132,897,203, C>T on the plus strand (G>A on the coding strand, the complement: TSC1 is on the minus strand). VCF-style: chr9-132897203-C-T. GRCh37 (hg19) VCF-style: chr9-135772590-C-T.
Other names: c.2953G>A, p.Ala985Thr (NM_001162426.2, NM_001406597.1, NM_001406598.1 and 2 more transcripts); c.2803G>A, p.Ala935Thr (NM_001162427.2, NM_001406610.1); c.2593G>A, p.Ala865Thr (NM_001362177.2, NM_001406614.1, NM_001406615.1 and 4 more transcripts); c.2956G>A, p.Ala986Thr (NM_001406592.1, NM_001406593.1, NM_001406594.1 and 2 more transcripts); c.2941G>A, p.Ala981Thr (NM_001406601.1, NM_001406602.1); c.2938G>A, p.Ala980Thr (NM_001406603.1, NM_001406604.1); c.2914G>A, p.Ala972Thr (NM_001406605.1, NM_001406606.1, NM_001406607.1); c.2911G>A, p.Ala971Thr (NM_001406608.1, NM_001406609.1); and 8 more; short protein forms A669T, A864T, A986T, A850T, A971T, A980T, A985T, A668T.
Identifiers: ClinVar variation 1798106 (VCV001798106.3), dbSNP rs2538474936, ClinGen allele CA375368294.

ClinVar aggregate classification (germline): Uncertain significance (1 of 4 stars; one submission).

Conditions:
Hereditary cancer-predisposing syndrome. Also called: Neoplastic Syndromes, Hereditary; Tumor predisposition; Hereditary Cancer Syndrome; Hereditary neoplastic syndrome. Identifiers: Orphanet 140162, MedGen C0027672, MeSH D009386, MONDO:0015356.

Submission:

Ambry Genetics
Classification: Uncertain significance for Hereditary cancer-predisposing syndrome. Last evaluated: 2024-11-20. Review status: criteria provided, single submitter. Criteria: Ambry Variant Classification Scheme 2023. Collection method: clinical testing. Allele origin: germline.
Comment: The p.A986T variant (also known as c.2956G>A), located in coding exon 20 of the TSC1 gene, results from a G to A substitution at nucleotide position 2956. The alanine at codon 986 is replaced by threonine, an amino acid with similar properties. This amino acid position is well conserved in available vertebrate species. In addition, the in silico prediction for this alteration is inconclusive. Based on the available evidence, the clinical significance of this variant remains unclear.